The following is an entry in ClinVar:

ClinVar aggregate classification (germline): Pathogenic. Review status: reviewed by expert panel (3 of 4 stars). 9 submissions from 9 submitters: Pathogenic (1). 8 of the submissions do not count toward it. Last evaluated 2026-08-19.

Conditions:
GJB2-related disorder. Also called: GJB2-related condition; GJB2-related disorders. Identifiers: MedGen CN382183, MONDO:1060236.
Nonsyndromic genetic hearing loss. Also called: Nonsyndromic hearing loss and deafness; Non-syndromic genetic deafness; Nonsyndromic genetic deafness. Identifiers: Orphanet 87884, MedGen C5680182, MONDO:0019497.
Autosomal recessive nonsyndromic hearing loss 1A (DFNB1A). Also called: Nonsyndromic Hearing Loss and Deafness, DFNB1; GJB6-Related DFNB 1 Nonsyndromic Hearing Loss and Deafness; Deafness, autosomal recessive 1A; Connexin 26 deafness; Deafness nonsyndromic, Connexin 26 linked; GJB2-Related Autosomal Recessive Nonsyndromic Hearing Loss. Identifiers: Orphanet 90636, MedGen C2673759, MONDO:0009076, OMIM 220290.
Mutilating keratoderma (VOWNKL). Also called: Keratoderma hereditarium mutilans. Identifiers: Orphanet 494, MedGen C0265964, MONDO:0007422, OMIM 124500.
Ichthyosis, hystrix-like, with hearing loss. Also called: Hystrix-like ichthyosis with deafness. Identifiers: Orphanet 477, MedGen C1865234, MONDO:0011245.
Autosomal dominant keratitis-ichthyosis-hearing loss syndrome. Also called: KID SYNDROME, AUTOSOMAL DOMINANT; Senter syndrome; HID SYNDROME. Identifiers: Orphanet 477, MedGen C0265336, MONDO:0007850, OMIM 148210.
Palmoplantar keratoderma-deafness syndrome. Also called: Keratoderma palmoplantar, with deafness; Palmoplantar keratoderma and sensorineural deafness; Hereditary palmoplantar keratoderma with deafness (subtype); Focal palmoplantar keratoderma with sensorineural deafness (subtype); Diffuse palmoplantar keratoderma with deafness (subtype). Identifiers: Orphanet 2202, MedGen C1835672, MONDO:0007852, OMIM 148350.
Knuckle pads, deafness AND leukonychia syndrome. Also called: Bart-Pumphrey syndrome. Identifiers: Orphanet 2698, MedGen C0266004, MONDO:0007866, OMIM 149200.
Autosomal dominant nonsyndromic hearing loss 3A. Identifiers: Orphanet 90635, MedGen C2675750, MONDO:0011103, OMIM 601544.
Rare genetic deafness. Identifiers: Orphanet 96210, MedGen C5680250.

Allele frequency attached by ClinVar (database versions not stated): gnomAD exomes 0.00002 and 0.00008; TOPMed 0.00012; gnomAD 0.00014; ExAC 0.00005; ESP Exome Variant Server 0.00015.

Submissions (9):

ClinGen Hearing Loss Variant Curation Expert Panel
Classification: Pathogenic for Nonsyndromic genetic hearing loss. Last evaluated: 2026-08-19. Review status: reviewed by expert panel. Criteria: Clingen Hl Acmg Specifications Cdh23 Coch Gjb2 Kcnq4 Myo6 Myo7a Slc26a4 Tecta Ush2a V2. Collection method: curation. Allele origin: germline. Inheritance: Autosomal recessive inheritance.
Comment: The c.110T>C variant in GJB2 is a missense variant predicted to cause substitution of valine by alanine at amino acid 37 (p.Val37Ala). The highest population minor allele frequency in gnomAD v4.1.1 is 0.0337% (25/74924 alleles-African/African American, PM2_Supporting, BA1, and BS1 not met). The computational predictor REVEL yields a score of 0.675 (PP3 not met). This variant has been identified in 11 patients who did not harbor a second variant in GJB2 (PMID 21287563, 17666888, 15365987, GeneDx internal data, Invitae internal data), but has also been detected in two patients in trans with pathogenic/likely pathogenic variants c.167delT (p.Leu56Argfs*26), c.132G>A (p.Trp44Ter) and one predicted in trans with pathogenic/likely pathogenic c.647_650delGATA (p.Arg216Ilefs*17) (2.5 points, PM3_Strong met; Partners Laboratory for Molecular Medicine SCV000967620.2, Molecular Otolaryngology and Renal Research Laboratories internal data). Two different missense variants at this codon (p.Val37Ile ClinVar ID:17023; and p.Val37Phe ClinVar ID:179256) have been classified as pathogenic or likely pathogenic for autosomal recessive non-syndromic HL by the ClinGen HL-VCEP (PM5_Strong met). In summary, based on the current evidence, the variant NM_004004.6(GJB2):c.110T>C (p.Val37Ala) meets the criteria to be classified as pathogenic for autosomal recessive non-syndromic HL based on the ACMG/AMP criteria applied as specified by the ClinGen HL-VCEP: PM3_Strong, PM5_Strong (ClinGen Hearing Loss VCEP specifications version 2; 8/19/2026).

GeneDx
Classification: Likely pathogenic. Last evaluated: 2026-08-11. Review status: criteria provided, single submitter. Criteria: GeneDx Variant Classification Process June 2021. Collection method: clinical testing. Allele origin: germline. Not counted in ClinVar's aggregate classification.
Comment: Observed heterozygous with no other GJB2 variants in patients with hearing loss in published literature; however, only GJB2 with or without GJB6 were included in analysis (PMID: 15365987, 17666888, 21287563); In silico analysis supports that this missense variant has a deleterious effect on protein structure/function; This variant is associated with the following publications: (PMID: 15365987, 17666888, 21287563, 25388846, 25087612, 27466889, 36048236, 38790217)

Labcorp Genetics (formerly Invitae), Labcorp
Classification: Likely pathogenic. Last evaluated: 2026-01-03. Review status: criteria provided, single submitter. Criteria: Invitae Variant Classification Sherloc (09022015). Collection method: clinical testing. Allele origin: germline. Not counted in ClinVar's aggregate classification.
Comment: This sequence change replaces valine, which is neutral and non-polar, with alanine, which is neutral and non-polar, at codon 37 of the GJB2 protein (p.Val37Ala). This variant is present in population databases (rs141774369, gnomAD 0.04%). This missense change has been observed in individual(s) with autosomal recessive deafness (PMID: 15365987, 17666888). ClinVar contains an entry for this variant (Variation ID: 449490). Invitae Evidence Modeling of protein sequence and biophysical properties (such as structural, functional, and spatial information, amino acid conservation, physicochemical variation, residue mobility, and thermodynamic stability) indicates that this missense variant is expected to disrupt GJB2 protein function with a positive predictive value of 95%. This variant disrupts the p.Val37 amino acid residue in GJB2. Other variant(s) that disrupt this residue have been determined to be pathogenic (PMID: 15365987, 17666888). This suggests that this residue is clinically significant, and that variants that disrupt this residue are likely to be disease-causing. In summary, the currently available evidence indicates that the variant is pathogenic, but additional data are needed to prove that conclusively. Therefore, this variant has been classified as Likely Pathogenic.

Natera, Inc.
Classification: Likely pathogenic for Autosomal recessive deafness type 1A. Last evaluated: 2025-12-19. Review status: criteria provided, single submitter. Criteria: Natera Variant Classification Schema (03/2026). Collection method: clinical testing. Allele origin: germline. Not counted in ClinVar's aggregate classification.
Comment: The c.110T>C variant in GJB2 is a missense variant predicted to cause substitution of valine to alanine at amino acid 37. This variant is rare in the general population with a frequency below the threshold expected for the associated phenotype(s). This variant has been observed in affected individual(s) with monoallelic occurrence (heterozygous/hemizygous) (PMID: 15365987, 17666888). A different variant at the same position has been determined to be Pathogenic or Likely Pathogenic. Computational prediction algorithms indicate this variant is likely to affect gene or protein function. Given the available evidence, this variant is classified as Likely Pathogenic.

Revvity Omics, Revvity
Classification: Likely pathogenic. Last evaluated: 2024-11-05. Review status: criteria provided, single submitter. Criteria: ACMG Guidelines, 2015. Collection method: clinical testing. Allele origin: germline. Not counted in ClinVar's aggregate classification.

Blueprint Genetics
Classification: Likely pathogenic for GJB2-related disorders. Last evaluated: 2024-09-10. Review status: criteria provided, single submitter. Criteria: ACMG Guidelines, 2015. Collection method: clinical testing. Allele origin: germline. Affected: yes. Observed: 5 variant alleles. Not counted in ClinVar's aggregate classification.

Fulgent Genetics
Classification: Likely pathogenic for Mutilating keratoderma; Autosomal dominant keratitis-ichthyosis-hearing loss syndrome; Palmoplantar keratoderma-deafness syndrome; Knuckle pads, deafness AND leukonychia syndrome; Autosomal recessive nonsyndromic hearing loss 1A; Autosomal dominant nonsyndromic hearing loss 3A. Last evaluated: 2024-04-24. Review status: criteria provided, single submitter. Criteria: ACMG Guidelines, 2015. Collection method: clinical testing. Allele origin: germline. Not counted in ClinVar's aggregate classification.

Women's Health and Genetics/Laboratory Corporation of America, LabCorp
Classification: Likely pathogenic for Autosomal recessive nonsyndromic hearing loss 1A. Last evaluated: 2021-02-24. Review status: criteria provided, single submitter. Criteria: LabCorp Variant Classification Summary - May 2015. Collection method: clinical testing. Allele origin: germline. Not counted in ClinVar's aggregate classification.
Comment: Variant summary: GJB2 c.110T>C (p.Val37Ala) results in a non-conservative amino acid change located in the Connexin, N-terminal domain (IPR013092) of the encoded protein sequence. Four of five in-silico tools predict a damaging effect of the variant on protein function. The variant allele was found at a frequency of 7.6e-05 in 250894 control chromosomes. This frequency is not significantly higher than expected for a pathogenic variant in GJB2 causing Autosomal Recessive Non-Syndromic Hearing Loss (7.6e-05 vs 0.025), allowing no conclusion about variant significance. c110T>C has been reported in the literature in individuals affected with congenital deafness (Azaiez_2004), non-syndromic sensorineural hearing loss (Lipan_2011), moderate hearing loss (Putcha_2007) and sensorineural hearing loss (Gruber_2016). A second variant in the GJB2 gene was not identified in the individuals reported in these studies, however the variant was reported to co-occur with a GJB6 variant (c.631T>G, p.C211G) of unknown pathogenicity in one patient (Putcha_2007). In addition, one Clinvar submitter reports that this variant has been detected in trans with a second pathogenic GJB2 variant in an individual with hearing loss tested at their facility. These data indicate that the variant is likely to be associated with disease. To our knowledge, no experimental evidence demonstrating an impact on protein function has been reported. Three other clinical diagnostic laboratories have submitted clinical-significance assessments for this variant to ClinVar after 2014 without evidence for independent evaluation. All laboratories cited the variant as likely pathogenic. Based on the evidence outlined above, the variant was classified as likely pathogenic.

Laboratory for Molecular Medicine, Mass General Brigham Personalized Medicine
Classification: Likely pathogenic for Rare genetic deafness. Last evaluated: 2019-03-06. Review status: criteria provided, single submitter. Criteria: LMM Criteria. Collection method: clinical testing. Allele origin: germline. Inheritance: Autosomal recessive inheritance. Observed: 1 variant allele. Not counted in ClinVar's aggregate classification.
Comment: The p.Val37Ala variant in GJB2 has been previously reported in several individuals with hearing loss in whom a second GJB2 variant was not identified. This variant has been identified in 0.036% (13/35428) of Latino chromosomes and in 0.36% (9/24968) of African by gnomAD, which are low enough to be consistent with recessive carrier frequencies. Computational prediction tools and conservation analysis suggest an impact to the protein. Furthermore, a pathogenic (p.Val37Ile) and likely pathogenic (p.Val37Phe) at the same amino acid residue have been previously reported in individuals with hearing loss. In summary, although additional studies are required to fully establish its clinical significance, this variant meets criteria to be classified as likely pathogenic for autosomal recessive hearing loss. ACMG/AMP criteria applied: PM3, PM5, PM2_Supporting, PP3.

Literature cited by the submitters: PubMed 15365987 (cited by 4 submitters); PubMed 17666888 (cited by 4 submitters); PubMed 21287563 (cited by Women's Health and Genetics/Laboratory Corporation of America, LabCorp and Laboratory for Molecular Medicine, Mass General Brigham Personalized Medicine); PubMed 25087612 (cited by Women's Health and Genetics/Laboratory Corporation of America, LabCorp and Laboratory for Molecular Medicine, Mass General Brigham Personalized Medicine); PubMed 25388846 (cited by Women's Health and Genetics/Laboratory Corporation of America, LabCorp and Laboratory for Molecular Medicine, Mass General Brigham Personalized Medicine); PubMed 27466889 (cited by Women's Health and Genetics/Laboratory Corporation of America, LabCorp).

NM_004004.6(GJB2):c.110T>C (p.Val37Ala)

Gene: GJB2 (gap junction protein beta 2; minus strand). Cytogenetic location: 13q12.11.
Variant type: single nucleotide variant.
Coding change: c.110T>C on transcript NM_004004.6 (MANE Select); coding-DNA position 110, T replaced by C.
Protein change: p.Val37Ala; replaces valine 37 with alanine.
Molecular consequence: missense variant.
Genome position (GRCh38, 1-based): chr13:20,189,472, A>G on the plus strand (T>C on the coding strand, the complement: GJB2 is on the minus strand). VCF-style: chr13-20189472-A-G. GRCh37 (hg19) VCF-style: chr13-20763611-A-G.
Other names: short protein forms V37A.
Identifiers: ClinVar variation 449490 (VCV000449490.29), dbSNP rs141774369, ClinGen allele CA6904317.